The following is an entry in ClinVar:

ClinVar aggregate classification (germline): Uncertain significance. Review status: criteria provided, single submitter (1 of 4 stars). 2 submissions from 2 submitters: Uncertain significance (1). 1 of the submissions does not count toward it. Last evaluated 2022-06-20.

Conditions:
Retinitis pigmentosa 26 (RP26). Identifiers: Orphanet 791, MedGen C1842127, MONDO:0012024, OMIM 608380.

Allele frequency attached by ClinVar (database versions not stated): gnomAD exomes below 0.00001; ExAC 0.00001.
gnomAD v4.1: 2 of 1,612,248 alleles (0.00012%); highest among the groups gnomAD compares: East Asian, 0.0022%; no homozygotes.

Submissions (2):

Labcorp Genetics (formerly Invitae), Labcorp
Classification: Uncertain significance. Last evaluated: 2022-06-20. Review status: criteria provided, single submitter. Criteria: Invitae Variant Classification Sherloc (09022015). Collection method: clinical testing. Allele origin: germline.
Comment: In summary, the available evidence is currently insufficient to determine the role of this variant in disease. Therefore, it has been classified as a Variant of Uncertain Significance. Algorithms developed to predict the effect of missense changes on protein structure and function output the following: SIFT: "Tolerated"; PolyPhen-2: "Benign"; Align-GVGD: "Class C0". The isoleucine amino acid residue is found in multiple mammalian species, which suggests that this missense change does not adversely affect protein function. ClinVar contains an entry for this variant (Variation ID: 1045732). This variant has not been reported in the literature in individuals affected with CERKL-related conditions. This variant is present in population databases (rs762281053, gnomAD 0.0009%). This sequence change replaces threonine, which is neutral and polar, with isoleucine, which is neutral and non-polar, at codon 183 of the CERKL protein (p.Thr183Ile).

Natera, Inc.
Classification: Uncertain significance for Retinitis Pigmentosa 26. Last evaluated: 2020-06-15. Review status: no assertion criteria provided. Collection method: clinical testing. Allele origin: germline. Not counted in ClinVar's aggregate classification.

NM_201548.5(CERKL):c.548C>T (p.Thr183Ile)

Gene: CERKL (CERK like autophagy regulator; minus strand). Cytogenetic location: 2q31.3.
Variant type: single nucleotide variant.
Coding change: c.548C>T on transcript NM_201548.5 (MANE Select); coding-DNA position 548, C replaced by T.
Protein change: p.Thr183Ile; replaces threonine 183 with isoleucine.
Molecular consequence: missense variant. On other transcripts: non-coding transcript variant (1), intron variant (2).
Genome position (GRCh38, 1-based): chr2:181,573,818, G>A on the plus strand (C>T on the coding strand, the complement: CERKL is on the minus strand). VCF-style: chr2-181573818-G-A. GRCh37 (hg19) VCF-style: chr2-182438545-G-A.
Other names: c.548C>T, p.Thr183Ile (NM_001030311.3, NM_001030313.3); c.482-24110C>T (NM_001030312.3); c.482-7697C>T (NM_001160277.2); short protein forms T183I.
Identifiers: ClinVar variation 1045732 (VCV001045732.9), dbSNP rs762281053, ClinGen allele CA2010784.